The following is an entry in ClinVar:

NM_000878.5(IL2RB):c.184C>T (p.His62Tyr)

Gene: IL2RB (interleukin 2 receptor subunit beta; minus strand). Cytogenetic location: 22q12.3.
Variant type: single nucleotide variant.
Coding change: c.184C>T on transcript NM_000878.5 (MANE Select); coding-DNA position 184, C replaced by T.
Protein change: p.His62Tyr; replaces histidine 62 with tyrosine.
Molecular consequence: missense variant.
Genome position (GRCh38, 1-based): chr22:37,143,540, G>A on the plus strand (C>T on the coding strand, the complement: IL2RB is on the minus strand). VCF-style: chr22-37143540-G-A. GRCh37 (hg19) VCF-style: chr22-37539580-G-A.
Other names: c.184C>T, p.His62Tyr (NM_001346222.1, NM_001346223.2); short protein forms H62Y.
Identifiers: ClinVar variation 1715662 (VCV001715662.5), dbSNP rs185863845, ClinGen allele CA10216731.
Genomic context (GRCh38, chr22:37,143,540, plus strand): 5'-CCCACCATCCTAAGATTCTGCAGTGTGGCCAGTGGACTCACCGTCTGTCCGGCCAGGCAT[G>A]GACTTGGCAGGAAGTGTCCTGCAGAGCCCCATCTTGGCTCCAGACACAGGAGATGTTGGC-3'
Protein context (NP_000869.1, residues 52-72): GALQDTSCQV[His62Tyr]AWPDRRRWNQ

ClinVar aggregate classification (germline): Uncertain significance (1 of 4 stars; one submission).

Allele frequency attached by ClinVar (database versions not stated): gnomAD exomes below 0.00001; ExAC 0.00001; gnomAD 0.00001; 1000 Genomes Project 0.00020; 1000 Genomes Project 30x 0.00031.
gnomAD v4.1: 2 of 1,612,686 alleles (0.00012%); highest among the groups gnomAD compares: Non-Finnish European, 0.00017%; no homozygotes.

Submission:

Labcorp Genetics (formerly Invitae), Labcorp
Classification: Uncertain significance. Last evaluated: 2022-10-14. Review status: criteria provided, single submitter. Criteria: Invitae Variant Classification Sherloc (09022015). Collection method: clinical testing. Allele origin: germline.
Comment: This sequence change replaces histidine, which is basic and polar, with tyrosine, which is neutral and polar, at codon 62 of the IL2RB protein (p.His62Tyr). This variant is present in population databases (rs185863845, gnomAD 0.002%). This variant has not been reported in the literature in individuals affected with IL2RB-related conditions. Algorithms developed to predict the effect of missense changes on protein structure and function output the following: SIFT: "Tolerated"; PolyPhen-2: "Benign"; Align-GVGD: "Class C0". The tyrosine amino acid residue is found in multiple mammalian species, which suggests that this missense change does not adversely affect protein function. In summary, the available evidence is currently insufficient to determine the role of this variant in disease. Therefore, it has been classified as a Variant of Uncertain Significance.